The following is an entry in ClinVar:

ClinVar aggregate classification (germline): Uncertain significance. Review status: criteria provided, multiple submitters, no conflicts (2 of 4 stars). 2 submissions from 2 submitters: Uncertain significance (2). Last evaluated 2025-09-01.

Conditions:
Cohen syndrome (COH1). Also called: PEPPER SYNDROME; Cutis verticis gyrata, retinitis pigmentosa, and sensorineural deafness. Identifiers: Orphanet 193, MedGen C0265223, MONDO:0008999, OMIM 216550.

Allele frequency attached by ClinVar (database versions not stated): gnomAD exomes below 0.00001; ExAC 0.00001; gnomAD 0.00001; TOPMed 0.00002; 1000 Genomes Project 30x 0.00016; 1000 Genomes Project 0.00020.
gnomAD v4.1: 4 of 1,614,078 alleles (0.00025%); highest among the groups gnomAD compares: African/African-American, 0.0027%; no homozygotes.

Submissions (2):

Labcorp Genetics (formerly Invitae), Labcorp
Classification: Uncertain significance for Cohen syndrome. Last evaluated: 2025-09-01. Review status: criteria provided, single submitter. Criteria: Invitae Variant Classification Sherloc (09022015). Collection method: clinical testing. Allele origin: germline.
Comment: This sequence change replaces isoleucine, which is neutral and non-polar, with valine, which is neutral and non-polar, at codon 2750 of the VPS13B protein (p.Ile2750Val). This variant is present in population databases (rs201127443, gnomAD 0.007%). This variant has not been reported in the literature in individuals affected with VPS13B-related conditions. ClinVar contains an entry for this variant (Variation ID: 197528). Invitae Evidence Modeling of protein sequence and biophysical properties (such as structural, functional, and spatial information, amino acid conservation, physicochemical variation, residue mobility, and thermodynamic stability) indicates that this missense variant is not expected to disrupt VPS13B protein function with a negative predictive value of 80%. In summary, the available evidence is currently insufficient to determine the role of this variant in disease. Therefore, it has been classified as a Variant of Uncertain Significance.

Eurofins Ntd Llc (ga)
Classification: Uncertain significance. Last evaluated: 2014-05-27. Review status: criteria provided, single submitter. Criteria: EGL Classification Definitions 2015. Collection method: clinical testing. Allele origin: germline. Observed: 1 variant allele, 1 heterozygote.

NM_152564.5(VPS13B):c.8173A>G (p.Ile2725Val)

Gene: VPS13B (vacuolar protein sorting 13 homolog B; plus strand). Cytogenetic location: 8q22.2.
Variant type: single nucleotide variant.
Coding change: c.8173A>G on transcript NM_152564.5 (MANE Select); coding-DNA position 8173, A replaced by G.
Protein change: p.Ile2725Val; replaces isoleucine 2725 with valine.
Molecular consequence: missense variant.
Genome position (GRCh38, 1-based): chr8:99,817,615, A>G. VCF-style: chr8-99817615-A-G. GRCh37 (hg19) VCF-style: chr8-100829843-A-G.
Other names: c.8248A>G, p.Ile2750Val (NM_017890.5); short protein forms I2725V, I2750V.
Identifiers: ClinVar variation 197528 (VCV000197528.11), dbSNP rs201127443, ClinGen allele CA245741.